The following is an entry in ClinVar:

ClinVar aggregate classification (germline): Uncertain significance (1 of 4 stars; one submission).

Conditions:
Hereditary cancer-predisposing syndrome. Also called: Hereditary neoplastic syndrome; Neoplastic Syndromes, Hereditary; Tumor predisposition; Hereditary Cancer Syndrome. Identifiers: Orphanet 140162, MedGen C0027672, MeSH D009386, MONDO:0015356.

Submission:

Ambry Genetics
Classification: Uncertain significance for Hereditary cancer-predisposing syndrome. Last evaluated: 2025-01-16. Review status: criteria provided, single submitter. Criteria: Ambry Variant Classification Scheme 2023. Collection method: clinical testing. Allele origin: germline.
Comment: The c.5185_5186delCTinsGG variant, located in coding exon 17 of the BRCA1 gene, results from an in-frame deletion of CT and insertion of GG at nucleotide positions 5185 to 5186. This results in the substitution of the leucine residue for a glycine residue at codon 1729, an amino acid with dissimilar properties. This amino acid position is well conserved in available vertebrate species. This variant was equivocal in a homology directed repair and cisplatin resistance protein functional assay (Adamovich AI et al. Am J Hum Genet, 2022 Apr;109:618-630). In addition, this alteration is predicted to be neutral by in silico analysis (Choi Y et al. PLoS ONE. 2012; 7(10):e46688). Based on the available evidence, the clinical significance of this variant remains unclear.

Literature cited by the submitters: PubMed 35196514.

NM_007294.4(BRCA1):c.5185_5186delinsGG (p.Leu1729Gly)

Gene: BRCA1 (BRCA1 DNA repair associated; minus strand). Cytogenetic location: 17q21.31.
Variant type: Indel.
Coding change: c.5185_5186delinsGG on transcript NM_007294.4 (MANE Select); coding-DNA positions 5185 to 5186, CT replaced by GG.
Protein change: p.Leu1729Gly; replaces leucine 1729 with glycine.
Molecular consequence: missense variant.
Genome position (GRCh38, 1-based): chr17:43,063,340-43,063,341, AG replaced by CC on the plus strand (CT replaced by GG on the coding strand, the reverse complement: BRCA1 is on the minus strand). VCF-style: chr17-43063340-AG-CC. GRCh37 (hg19) VCF-style: chr17-41215357-AG-CC.
Other names: c.4981_4982delinsGG, p.Leu1661Gly (NM_001407863.1); c.4978_4979delinsGG, p.Leu1660Gly (NM_001407874.1, NM_001407875.1); c.4975_4976delinsGG, p.Leu1659Gly (NM_001407879.1, NM_001407881.1, NM_001407882.1 and 5 more transcripts); c.4972_4973delinsGG, p.Leu1658Gly (NM_001407894.1, NM_001407897.1, NM_001407900.1 and 12 more transcripts); c.5179_5180delinsGG, p.Leu1727Gly (NM_001407641.1, NM_001407642.1, NM_001407861.1 and 14 more transcripts); c.5176_5177delinsGG, p.Leu1726Gly (NM_001407644.1, NM_001407645.1); c.5173_5174delinsGG, p.Leu1725Gly (NM_001407646.1); c.5170_5171delinsGG, p.Leu1724Gly (NM_001407647.1); and 72 more; short protein forms L536G, L578G, L579G, L584G, L586G, L601G, L622G, L623G.
Identifiers: ClinVar variation 3825293 (VCV003825293.1).